The following is an entry in ClinVar:

NM_001903.5(CTNNA1):c.1660C>T (p.His554Tyr)

Gene: CTNNA1 (catenin alpha 1; plus strand). Cytogenetic location: 5q31.2.
Variant type: single nucleotide variant.
Coding change: c.1660C>T on transcript NM_001903.5 (MANE Select); coding-DNA position 1660, C replaced by T.
Protein change: p.His554Tyr; replaces histidine 554 with tyrosine.
Molecular consequence: missense variant.
Genome position (GRCh38, 1-based): chr5:138,924,623, C>T. VCF-style: chr5-138924623-C-T. GRCh37 (hg19) VCF-style: chr5-138260312-C-T.
Other names: c.1660C>T, p.His554Tyr (NM_001290307.3, NM_001323982.2, NM_001323983.1 and 2 more transcripts); c.1351C>T, p.His451Tyr (NM_001290309.3); c.1291C>T, p.His431Tyr (NM_001290310.3); c.550C>T, p.His184Tyr (NM_001290312.1, NM_001323987.1, NM_001323988.1 and 17 more transcripts); c.1567C>T, p.His523Tyr (NM_001323986.2); c.211C>T, p.His71Tyr (NM_001324006.1, NM_001324007.1, NM_001324008.1 and 2 more transcripts); c.457C>T, p.His153Tyr (NM_001324011.1); c.307C>T, p.His103Tyr (NM_001324012.1, NM_001324013.1); short protein forms H554Y, H103Y, H184Y, H153Y, H523Y, H431Y, H451Y, H71Y.
Identifiers: ClinVar variation 856477 (VCV000856477.13), dbSNP rs756832179, ClinGen allele CA3432002.

ClinVar aggregate classification (germline): Conflicting classifications of pathogenicity. Review status: criteria provided, conflicting classifications (1 of 4 stars). 3 submissions from 3 submitters: Uncertain significance (2); Likely benign (1). Last evaluated 2025-09-12.

Conditions:
Hereditary cancer-predisposing syndrome. Also called: Neoplastic Syndromes, Hereditary; Tumor predisposition; Hereditary Cancer Syndrome; Hereditary neoplastic syndrome. Identifiers: Orphanet 140162, MedGen C0027672, MeSH D009386, MONDO:0015356.

Allele frequency attached by ClinVar (database versions not stated): gnomAD exomes below 0.00001 and 0.00001; TOPMed below 0.00001; gnomAD 0.00001; ExAC 0.00002.
gnomAD v4.1: 2 of 1,613,414 alleles (0.00012%); highest among the groups gnomAD compares: East Asian, 0.0045%; no homozygotes.

Submissions (3):

Labcorp Genetics (formerly Invitae), Labcorp
Classification: Uncertain significance. Last evaluated: 2025-09-12. Review status: criteria provided, single submitter. Criteria: Invitae Variant Classification Sherloc (09022015). Collection method: clinical testing. Allele origin: germline.
Comment: This sequence change replaces histidine, which is basic and polar, with tyrosine, which is neutral and polar, at codon 554 of the CTNNA1 protein (p.His554Tyr). This variant is present in population databases (rs756832179, gnomAD 0.01%). This variant has not been reported in the literature in individuals affected with CTNNA1-related conditions. ClinVar contains an entry for this variant (Variation ID: 856477). Invitae Evidence Modeling of protein sequence and biophysical properties (such as structural, functional, and spatial information, amino acid conservation, physicochemical variation, residue mobility, and thermodynamic stability) has been performed for this missense variant. However, the output from this modeling did not meet the statistical confidence thresholds required to predict the impact of this variant on CTNNA1 protein function. In summary, the available evidence is currently insufficient to determine the role of this variant in disease. Therefore, it has been classified as a Variant of Uncertain Significance.

Ambry Genetics
Classification: Likely benign for Hereditary cancer-predisposing syndrome. Last evaluated: 2022-06-13. Review status: criteria provided, single submitter. Criteria: Ambry Variant Classification Scheme 2023. Collection method: clinical testing. Allele origin: germline.

Blueprint Genetics
Classification: Uncertain significance. Last evaluated: 2020-03-02. Review status: criteria provided, single submitter. Criteria: ACMG Guidelines, 2015. Collection method: clinical testing. Allele origin: germline.